The following is an entry in ClinVar:

NM_032447.5(FBN3):c.6703G>A (p.Val2235Ile)

Gene: FBN3 (fibrillin 3; minus strand). Cytogenetic location: 19p13.2.
Variant type: single nucleotide variant.
Coding change: c.6703G>A on transcript NM_032447.5 (MANE Select); coding-DNA position 6703, G replaced by A.
Protein change: p.Val2235Ile; replaces valine 2235 with isoleucine.
Molecular consequence: missense variant.
Genome position (GRCh38, 1-based): chr19:8,087,128, C>T on the plus strand (G>A on the coding strand, the complement: FBN3 is on the minus strand). VCF-style: chr19-8087128-C-T. GRCh37 (hg19) VCF-style: chr19-8152012-C-T.
Other names: c.6703G>A, p.Val2235Ile (NM_001321431.2); c.6703G>A (NM_032447.3); short protein forms V2235I.
Identifiers: ClinVar variation 2420737 (VCV002420737.6), dbSNP rs754675590, ClinGen allele CA9151166.

ClinVar aggregate classification (germline): Conflicting classifications of pathogenicity. Review status: criteria provided, conflicting classifications (1 of 4 stars). 2 submissions from 2 submitters: Uncertain significance (1); Likely benign (1). Last evaluated 2023-11-28.

Allele frequency attached by ClinVar (database versions not stated): ExAC 0.00007; gnomAD 0.00007; TOPMed 0.00009; gnomAD exomes 0.00013.
gnomAD v4.1: 201 of 1,610,870 alleles (0.012%); highest among the groups gnomAD compares: Non-Finnish European, 0.017%; no homozygotes.

Submissions (2):

Labcorp Genetics (formerly Invitae), Labcorp
Classification: Uncertain significance. Last evaluated: 2023-11-28. Review status: criteria provided, single submitter. Criteria: Invitae Variant Classification Sherloc (09022015). Collection method: clinical testing. Allele origin: germline.
Comment: This sequence change replaces valine, which is neutral and non-polar, with isoleucine, which is neutral and non-polar, at codon 2235 of the FBN3 protein (p.Val2235Ile). This variant is present in population databases (rs754675590, gnomAD 0.01%). This variant has not been reported in the literature in individuals affected with FBN3-related conditions. ClinVar contains an entry for this variant (Variation ID: 2420737). Algorithms developed to predict the effect of missense changes on protein structure and function output the following: SIFT: "Not Available"; PolyPhen-2: "Benign"; Align-GVGD: "Not Available". The isoleucine amino acid residue is found in multiple mammalian species, which suggests that this missense change does not adversely affect protein function. In summary, the available evidence is currently insufficient to determine the role of this variant in disease. Therefore, it has been classified as a Variant of Uncertain Significance.

Ambry Genetics
Classification: Likely benign. Last evaluated: 2023-02-28. Review status: criteria provided, single submitter. Criteria: Ambry Variant Classification Scheme 2023. Collection method: clinical testing. Allele origin: germline.